The following is an entry in ClinVar:

ClinVar aggregate classification (germline): Pathogenic (1 of 4 stars; one submission).

Submission:

CeGaT Center for Human Genetics Tuebingen
Classification: Pathogenic. Last evaluated: 2025-12-01. Review status: criteria provided, single submitter. Criteria: CeGaT Center For Human Genetics Tuebingen Variant Classification Criteria Version 2. Collection method: clinical testing. Allele origin: germline. Affected: yes. Observed: 1 variant allele.
Comment: OCRL: PVS1, PM2

NM_000276.4(OCRL):c.1981del (p.Leu661fs)

Gene: OCRL (OCRL inositol polyphosphate-5-phosphatase; plus strand). Cytogenetic location: Xq26.1.
Variant type: Deletion.
Coding change: c.1981del on transcript NM_000276.4 (MANE Select); coding-DNA position 1981, one base deleted (C; older notation c.1981delC).
Protein change: p.Leu661fs; shifts the reading frame from leucine 661.
Molecular consequence: frameshift variant.
Genome position (GRCh38, 1-based): chrX:129,576,418, C deleted; the last of 2 consecutive C bases (chrX:129,576,417-129,576,418); deleting either gives the same sequence. VCF-style (leftmost placement, unchanged base first): chrX-129576416-AC-A. GRCh37 (hg19) VCF-style: chrX-128710393-AC-A.
Other names: c.1984del, p.Leu662fs (NM_001318784.2); c.1981del, p.Leu661fs (NM_001587.4); short protein forms L661fs, L662fs.
Identifiers: ClinVar variation 4681977 (VCV004681977.5).
Genomic context (GRCh38, chrX:129,576,416, plus strand): 5'-AAGACTCTGTAACCATCCTGAACTCGGGAGAAGATAAGATTGAAGATATTCTCGTCCTTC[AC>A]CTGGATCGAGGCAAAGATTACTTCTTGACTATCAGTGGAAATTACCTCCCAAGTTGTTTT-3'